The following is an entry in ClinVar:

ClinVar aggregate classification (germline): Benign. Review status: criteria provided, multiple submitters, no conflicts (2 of 4 stars). 3 submissions from 3 submitters: Benign (2). 1 of the submissions does not count toward it. Last evaluated 2026-01-26.

Conditions:
WAS-related disorder. Also called: WAS-related condition; WAS-Related Disorders. Identifiers: MedGen CN381538.
X-linked severe congenital neutropenia (SCNX). Identifiers: Orphanet 86788, MedGen C1845987, MONDO:0010294, OMIM 300299.
Thrombocytopenia 1. Also called: X-Linked Thrombocytopenia (XLT); X-linked thrombocytopenia with normal platelets; THROMBOCYTOPENIA, X-LINKED, 1. Identifiers: Orphanet 268322, Orphanet 852, MedGen C1839163, MONDO:0010743, OMIM 313900.
Wiskott-Aldrich syndrome (WAS). Also called: WISKOTT-ALDRICH SYNDROME 1; Wiskott-aldrich syndrome, somatic; ALDRICH SYNDROME; IMMUNODEFICIENCY 2. Identifiers: Orphanet 906, MedGen C0043194, MONDO:0010518, OMIM 301000.

Allele frequency attached by ClinVar (database versions not stated): gnomAD exomes 0.00001 and 0.00002; ExAC 0.00003; TOPMed 0.00004; gnomAD 0.00005.
gnomAD v4.1: 17 of 1,203,301 alleles (0.0014%); highest among the groups gnomAD compares: South Asian, 0.018%; no homozygotes.

Submissions (3):

Labcorp Genetics (formerly Invitae), Labcorp
Classification: Benign for Wiskott-Aldrich syndrome; X-linked severe congenital neutropenia; Thrombocytopenia 1. Last evaluated: 2026-01-26. Review status: criteria provided, single submitter. Criteria: Invitae Variant Classification Sherloc (09022015). Collection method: clinical testing. Allele origin: germline.

Fulgent Genetics
Classification: Benign for X-linked severe congenital neutropenia; Wiskott-Aldrich syndrome; Thrombocytopenia 1. Last evaluated: 2022-05-09. Review status: criteria provided, single submitter. Criteria: ACMG Guidelines, 2015. Collection method: clinical testing. Allele origin: unknown.

PreventionGenetics, part of Exact Sciences
Classification: Likely benign for WAS-related condition. Last evaluated: 2023-01-30. Review status: no assertion criteria provided. Collection method: clinical testing. Allele origin: germline. Not counted in ClinVar's aggregate classification.
Comment: This variant is classified as likely benign based on ACMG/AMP sequence variant interpretation guidelines (Richards et al. 2015 PMID: 25741868, with internal and published modifications).

NM_000377.3(WAS):c.941C>T (p.Pro314Leu)

Gene: WAS (WASP actin nucleation promoting factor; plus strand). Cytogenetic location: Xp11.23.
Variant type: single nucleotide variant.
Coding change: c.941C>T on transcript NM_000377.3 (MANE Select); coding-DNA position 941, C replaced by T.
Protein change: p.Pro314Leu; replaces proline 314 with leucine.
Molecular consequence: missense variant.
Genome position (GRCh38, 1-based): chrX:48,688,669, C>T. VCF-style: chrX-48688669-C-T. GRCh37 (hg19) VCF-style: chrX-48547058-C-T.
Other names: c.941C>T (NM_000377.2); short protein forms P314L.
Identifiers: ClinVar variation 1169688 (VCV001169688.12), dbSNP rs782752881, ClinGen allele CA10404019.
Genomic context (GRCh38, chrX:48,688,669, plus strand): 5'-CTCAGAAGAAATCAATGAGAGTTACAGCTATGTGTTATACCCCCTCCACAGAGCCACTTC[C>T]GCCGCCCCCACCGCCATCTCGAGGAGGGAACCAGCTCCCCCGGCCCCCTATTGTGGGGGG-3'
Protein context (NP_000368.1, residues 304-324): RQEMRRQEPL[Pro314Leu]PPPPPSRGGN